The following is an entry in ClinVar:

NM_052867.4(NALCN):c.4978G>A (p.Ala1660Thr)

Genes: NALCN (sodium leak channel, non-selective; minus strand), NALCN-AS1 (NALCN antisense RNA 1; plus strand). Cytogenetic location: 13q32.3.
Variant type: single nucleotide variant.
Coding change: c.4978G>A on transcript NM_052867.4 (MANE Select); coding-DNA position 4978, G replaced by A.
Protein change: p.Ala1660Thr; replaces alanine 1660 with threonine.
Molecular consequence: missense variant. On other transcripts: non-coding transcript variant (1).
Genome position (GRCh38, 1-based): chr13:101,057,984, C>T on the plus strand (G>A on the coding strand, the complement: NALCN is on the minus strand). VCF-style: chr13-101057984-C-T. GRCh37 (hg19) VCF-style: chr13-101710336-C-T.
Other names: c.5065G>A, p.Ala1689Thr (NM_001350748.2); c.4978G>A, p.Ala1660Thr (NM_001350749.2); c.4891G>A, p.Ala1631Thr (NM_001350750.2, NM_001350751.2); short protein forms A1660T, A1631T, A1689T.
Identifiers: ClinVar variation 1033020 (VCV001033020.4), dbSNP rs983108567, ClinGen allele CA255391727.

ClinVar aggregate classification (germline): Uncertain significance. Review status: criteria provided, multiple submitters, no conflicts (2 of 4 stars). 2 submissions from 2 submitters: Uncertain significance (2). Last evaluated 2024-01-19.

Conditions:
Hypotonia, infantile, with psychomotor retardation and characteristic facies 1 (INNFD). Identifiers: Orphanet 371364, Orphanet 700336, MedGen C3809454, MONDO:0024567, OMIM 615419.

Allele frequency attached by ClinVar (database versions not stated): TOPMed 0.00001.
gnomAD v4.1: 7 of 1,613,838 alleles (0.00043%); highest among the groups gnomAD compares: Middle Eastern, 0.016%; no homozygotes.

Submissions (2):

Labcorp Genetics (formerly Invitae), Labcorp
Classification: Uncertain significance. Last evaluated: 2024-01-19. Review status: criteria provided, single submitter. Criteria: Invitae Variant Classification Sherloc (09022015). Collection method: clinical testing. Allele origin: germline.
Comment: This sequence change replaces alanine, which is neutral and non-polar, with threonine, which is neutral and polar, at codon 1660 of the NALCN protein (p.Ala1660Thr). This variant is not present in population databases (gnomAD no frequency). This variant has not been reported in the literature in individuals affected with NALCN-related conditions. ClinVar contains an entry for this variant (Variation ID: 1033020). Advanced modeling of protein sequence and biophysical properties (such as structural, functional, and spatial information, amino acid conservation, physicochemical variation, residue mobility, and thermodynamic stability) performed at Invitae indicates that this missense variant is not expected to disrupt NALCN protein function with a negative predictive value of 80%. In summary, the available evidence is currently insufficient to determine the role of this variant in disease. Therefore, it has been classified as a Variant of Uncertain Significance.

Baylor Genetics
Classification: Uncertain significance for Hypotonia, infantile, with psychomotor retardation and characteristic facies 1. Last evaluated: 2018-11-30. Review status: criteria provided, single submitter. Criteria: ACMG Guidelines, 2015. Collection method: clinical testing. Allele origin: maternal. Affected: yes.
Comment: This variant was determined to be of uncertain significance according to ACMG Guidelines, 2015 [PMID:25741868].